The following is an entry in ClinVar:

ClinVar aggregate classification (germline): Pathogenic/Likely pathogenic. Review status: criteria provided, multiple submitters, no conflicts (2 of 4 stars). 2 submissions from 2 submitters: Pathogenic (1); Likely pathogenic (1). Last evaluated 2025-10-22.

Conditions:
Oculocutaneous albinism type 1. Also called: Albinism 1; ALBINISM I. Identifiers: Orphanet 352731, MedGen C0268494, MONDO:0018135. Disease mechanism: loss of function.
TYR-related disorder. Also called: TYR-related condition.

Submissions (2):

Myriad Genetics, Inc.
Classification: Pathogenic for Oculocutaneous albinism type 1. Last evaluated: 2025-10-22. Review status: criteria provided, single submitter. Criteria: Myriad Autosomal Dominant, Autosomal Recessive and X-Linked Classification Criteria (2023). Collection method: clinical testing. Allele origin: unknown.
Comment: NM_000372.4(TYR):c.309C>A(C103*) is a nonsense variant classified as pathogenic in the context of oculocutaneous albinism, TYR-related. C103* has not been observed in cases with relevant disease. Relevant functional assessments of this variant are not available in the literature. C103* has been observed in referenced population frequency databases. In summary, NM_000372.4(TYR):c.309C>A(C103*) is a nonsense variant in a gene where loss of function is a known mechanism of disease and is predicted to disrupt protein function. Please note: this variant was assessed in the context of healthy population screening.

Blueprint Genetics
Classification: Likely pathogenic for TYR-related disorders. Last evaluated: 2018-10-15. Review status: criteria provided, single submitter. Criteria: ACMG Guidelines, 2015. Collection method: clinical testing. Allele origin: germline. Affected: yes. Observed: 1 variant allele.

NM_000372.5(TYR):c.309C>A (p.Cys103Ter)

Gene: TYR (tyrosinase; plus strand). Cytogenetic location: 11q14.3.
Variant type: single nucleotide variant.
Coding change: c.309C>A on transcript NM_000372.5 (MANE Select); coding-DNA position 309, C replaced by A.
Protein change: p.Cys103Ter; replaces cysteine 103 with a stop codon.
Molecular consequence: nonsense.
Genome position (GRCh38, 1-based): chr11:89,178,262, C>A. VCF-style: chr11-89178262-C-A. GRCh37 (hg19) VCF-style: chr11-88911430-C-A.
Other names: short protein forms C103*.
Identifiers: ClinVar variation 4913500 (VCV004913500.2).
Genomic context (GRCh38, chr11:89,178,262, plus strand): 5'-CTTTTATAATAGGACCTGCCAGTGCTCTGGCAACTTCATGGGATTCAACTGTGGAAACTG[C>A]AAGTTTGGCTTTTGGGGACCAAACTGCACAGAGAGACGACTCTTGGTGAGAAGAAACATC-3'